The following is an entry in ClinVar:

NM_003072.5(SMARCA4):c.572C>T (p.Ala191Val)

Gene: SMARCA4 (SWI/SNF related BAF chromatin remodeling complex subunit ATPase 4; plus strand). Cytogenetic location: 19p13.2.
Variant type: single nucleotide variant.
Coding change: c.572C>T on transcript NM_003072.5 (MANE Select); coding-DNA position 572, C replaced by T.
Protein change: p.Ala191Val; replaces alanine 191 with valine.
Molecular consequence: missense variant. On other transcripts: non-coding transcript variant (1).
Genome position (GRCh38, 1-based): chr19:10,986,405, C>T. VCF-style: chr19-10986405-C-T. GRCh37 (hg19) VCF-style: chr19-11097081-C-T.
Other names: c.572C>T, p.Ala191Val (NM_001128844.3, NM_001128845.2, NM_001128846.2 and 6 more transcripts); short protein forms A191V.
Identifiers: ClinVar variation 3636832 (VCV003636832.2).

ClinVar aggregate classification (germline): Uncertain significance (1 of 4 stars; one submission).

Conditions:
Rhabdoid tumor predisposition syndrome 2 (RTPS2). Identifiers: Orphanet 231108, Orphanet 69077, MedGen C2750074, MONDO:0013224, OMIM 613325.

Submission:

Labcorp Genetics (formerly Invitae), Labcorp
Classification: Uncertain significance for Rhabdoid tumor predisposition syndrome 2. Last evaluated: 2025-01-18. Review status: criteria provided, single submitter. Criteria: Invitae Variant Classification Sherloc (09022015). Collection method: clinical testing. Allele origin: germline.
Comment: This sequence change replaces alanine, which is neutral and non-polar, with valine, which is neutral and non-polar, at codon 191 of the SMARCA4 protein (p.Ala191Val). This variant is not present in population databases (gnomAD no frequency). This variant has not been reported in the literature in individuals affected with SMARCA4-related conditions. Invitae Evidence Modeling of protein sequence and biophysical properties (such as structural, functional, and spatial information, amino acid conservation, physicochemical variation, residue mobility, and thermodynamic stability) has been performed for this missense variant. However, the output from this modeling did not meet the statistical confidence thresholds required to predict the impact of this variant on SMARCA4 protein function. In summary, the available evidence is currently insufficient to determine the role of this variant in disease. Therefore, it has been classified as a Variant of Uncertain Significance.